The following is an entry in ClinVar:

NM_001367823.1(ARHGEF18):c.2456G>A (p.Arg819Gln)

Gene: ARHGEF18 (Rho/Rac guanine nucleotide exchange factor 18; plus strand). Cytogenetic location: 19p13.2.
Variant type: single nucleotide variant.
Coding change: c.2456G>A on transcript NM_001367823.1 (MANE Select); coding-DNA position 2456, G replaced by A.
Protein change: p.Arg819Gln; replaces arginine 819 with glutamine.
Molecular consequence: missense variant.
Genome position (GRCh38, 1-based): chr19:7,462,155, G>A. VCF-style: chr19-7462155-G-A. GRCh37 (hg19) VCF-style: chr19-7527041-G-A.
Other names: c.1730G>A, p.Arg577Gln (NM_001130955.2); c.1418G>A, p.Arg473Gln (NM_001367824.1, NM_015318.4); short protein forms R577Q, R473Q, R819Q.
Identifiers: ClinVar variation 1397301 (VCV001397301.4), dbSNP rs754731608, ClinGen allele CA9136871.

ClinVar aggregate classification (germline): Uncertain significance. Review status: criteria provided, multiple submitters, no conflicts (2 of 4 stars). 2 submissions from 2 submitters: Uncertain significance (2). Last evaluated 2024-06-04.

Allele frequency attached by ClinVar (database versions not stated): ExAC 0.00005; gnomAD exomes 0.00005; TOPMed 0.00009; gnomAD 0.00013 and 0.00014.
gnomAD v4.1: 257 of 1,613,838 alleles (0.016%); highest among the groups gnomAD compares: Non-Finnish European, 0.021%; no homozygotes.

Submissions (2):

Blueprint Genetics
Classification: Uncertain significance. Last evaluated: 2024-06-04. Review status: criteria provided, single submitter. Criteria: ACMG Guidelines, 2015. Collection method: clinical testing. Allele origin: germline.

Labcorp Genetics (formerly Invitae), Labcorp
Classification: Uncertain significance. Last evaluated: 2022-07-09. Review status: criteria provided, single submitter. Criteria: Invitae Variant Classification Sherloc (09022015). Collection method: clinical testing. Allele origin: germline.
Comment: This sequence change replaces arginine, which is basic and polar, with glutamine, which is neutral and polar, at codon 631 of the ARHGEF18 protein (p.Arg631Gln). This variant is present in population databases (rs754731608, gnomAD 0.01%). This variant has not been reported in the literature in individuals affected with ARHGEF18-related conditions. ClinVar contains an entry for this variant (Variation ID: 1397301). Algorithms developed to predict the effect of missense changes on protein structure and function are either unavailable or do not agree on the potential impact of this missense change (SIFT: "Deleterious"; PolyPhen-2: "Benign"; Align-GVGD: "Class C35"). Algorithms developed to predict the effect of sequence changes on RNA splicing suggest that this variant may create or strengthen a splice site. In summary, the available evidence is currently insufficient to determine the role of this variant in disease. Therefore, it has been classified as a Variant of Uncertain Significance.